The following is an entry in ClinVar:

NM_001126108.2(SLC12A3):c.1950del (p.Asn653fs)

Gene: SLC12A3 (solute carrier family 12 member 3; plus strand). Cytogenetic location: 16q13.
Variant type: Deletion.
Coding change: c.1950del on transcript NM_001126108.2 (MANE Select); coding-DNA position 1950, one base deleted (G; older notation c.1950delG).
Protein change: p.Asn653fs; shifts the reading frame from asparagine 653.
Molecular consequence: frameshift variant.
Genome position (GRCh38, 1-based): chr16:56,886,388, G deleted; the last of 4 consecutive G bases (chr16:56,886,385-56,886,388); deleting any one gives the same sequence. VCF-style (leftmost placement, unchanged base first): chr16-56886384-CG-C. GRCh37 (hg19) VCF-style: chr16-56920296-CG-C.
Other names: c.1950del, p.Asn653fs (NM_000339.3); c.1947del, p.Asn652fs (NM_001126107.2, NM_001410896.1); short protein forms N652fs, N653fs.
Identifiers: ClinVar variation 4818196 (VCV004818196.1).
Genomic context (GRCh38, chr16:56,886,384, plus strand): 5'-CTCTCCTGATGGCTCCTGCCCTTTTCCCTTCCCTCCTCAGCCCCCAGTGCCTGGTGCTCA[CG>C]GGGCCCCCCAACTTCCGCCCGGCCCTGGTGGACTTTGTGGGCACCTTCACCCGGAACCTC-3'

ClinVar aggregate classification (germline): Likely pathogenic (1 of 4 stars; one submission).

Conditions:
Familial hypokalemia-hypomagnesemia (GTLMNS). Also called: POTASSIUM AND MAGNESIUM DEPLETION; HYPOMAGNESEMIA-HYPOKALEMIA, PRIMARY RENOTUBULAR, WITH HYPOCALCIURIA; gitelman syndrome. Identifiers: Orphanet 358, MedGen C0268450, MONDO:0009904, OMIM 263800.

Submission:

Natera, Inc.
Classification: Likely pathogenic for Gitelman syndrome. Last evaluated: 2024-09-14. Review status: criteria provided, single submitter. Criteria: Natera Variant Classification Schema (03/2026). Collection method: clinical testing. Allele origin: germline.
Comment: The c.1950del variant in SLC12A3 is a frameshift variant predicted to shift the reading frame beginning at codon 653 and leads to a stop codon 19 codons downstream. This variant is expected to result in nonsense mediated decay, truncation, or a dysfunctional protein product. This variant is rare in the general population with a frequency below the threshold expected for the associated phenotype(s). Given the available evidence, this variant is classified as Likely Pathogenic.